The following is an entry in ClinVar:

ClinVar aggregate classification (germline): Pathogenic/Likely pathogenic. Review status: criteria provided, multiple submitters, no conflicts (2 of 4 stars). 3 submissions from 3 submitters: Pathogenic (2); Likely pathogenic (1). Last evaluated 2026-09-08.

Conditions:
Fabry disease. Also called: Fabry's disease; Angiokeratoma corporis diffusum; GLA DEFICIENCY; HEREDITARY DYSTOPIC LIPIDOSIS; ALPHA-GALACTOSIDASE A DEFICIENCY; ANDERSON-FABRY DISEASE. Identifiers: Orphanet 324, MedGen C0002986, MONDO:0010526, OMIM 301500, HP:0001071. Disease mechanism: loss of function, Fabry disease is due to inactivating mutations in the X-linked GLA gene resulting in deficiency of the enzyme Alpha Galactosidase-A..

Submissions (3):

Genomenon, Inc
Classification: Pathogenic for Fabry disease. Last evaluated: 2026-09-08. Review status: criteria provided, single submitter. Criteria: Genomenon Sequence Variant Interpretation Standards - Updated. Collection method: curation. Allele origin: germline. Affected: yes.
Comment: GLA p.Leu324TrpfsTer24 (c.969del) is a frameshift variant that is predicted to introduce a premature termination codon and result in a truncated or absent protein product. This variant has been observed in at least one proband with clinical features consistent with Fabry disease (PMID:31065389;37626912). The variant was found to segregate with disease in at least one affected family (PMID:31065389). It is absent or not present at a significant frequency in gnomAD. In conclusion, we classify GLA p.Leu324TrpfsTer24 (c.969del) as a pathogenic variant.

Women's Health and Genetics/Laboratory Corporation of America, LabCorp
Classification: Pathogenic for Fabry disease. Last evaluated: 2021-03-23. Review status: criteria provided, single submitter. Criteria: LabCorp Variant Classification Summary - May 2015. Collection method: clinical testing. Allele origin: germline.
Comment: Variant summary: GLA c.969delC (p.Leu324TrpfsX24) results in a premature termination codon, predicted to cause a truncation of the encoded protein or absence of the protein due to nonsense mediated decay, which are commonly known mechanisms for disease. Truncations downstream of this position have been classified as pathogenic by our laboratory. The variant was absent in 183503 control chromosomes. c.969delC has been reported in the literature in individuals affected with Fabry Disease, including a family with an affected mother and two affected sons (Fall_2016, Cui_2021, Lee_2019). These data indicate that the variant is likely to be associated with disease. To our knowledge, no experimental evidence demonstrating an impact on protein function has been reported. No clinical diagnostic laboratories have submitted clinical-significance assessments for this variant to ClinVar after 2014. Based on the evidence outlined above, the variant was classified as pathogenic.

Revvity Omics, Revvity
Classification: Likely pathogenic. Last evaluated: 2021-02-03. Review status: criteria provided, single submitter. Criteria: ACMG Guidelines, 2015. Collection method: clinical testing. Allele origin: germline.

Literature cited by the submitters: PubMed 31065389 (cited by Genomenon, Inc and Women's Health and Genetics/Laboratory Corporation of America, LabCorp); PubMed 37626912 (cited by Genomenon, Inc); PubMed 33545641 (cited by Women's Health and Genetics/Laboratory Corporation of America, LabCorp); PubMed 27992580 (cited by Women's Health and Genetics/Laboratory Corporation of America, LabCorp).

NM_000169.3(GLA):c.969del (p.Leu324fs)

Genes: GLA (galactosidase alpha; minus strand), RPL36A-HNRNPH2 (RPL36A-HNRNPH2 readthrough; plus strand). Cytogenetic location: Xq22.1.
Variant type: Deletion.
Coding change: c.969del on transcript NM_000169.3 (MANE Select); coding-DNA position 969, one base deleted (C; older notation c.969delC).
Protein change: p.Leu324fs; shifts the reading frame from leucine 324.
Molecular consequence: frameshift variant. On other transcripts: non-coding transcript variant (3), intron variant (2).
Genome position (GRCh38, 1-based): chrX:101,398,400, G deleted on the plus strand (C on the coding strand, the reverse complement: GLA is on the minus strand); the first of 4 consecutive G bases (chrX:101,398,400-101,398,403); deleting any one gives the same sequence. VCF-style (leftmost placement, unchanged base first): chrX-101398399-AG-A. GRCh37 (hg19) VCF-style: chrX-100653387-AG-A.
Other names: c.969delC (NM_000169.2); c.966delC, p.Leu324Trpfs (NM_000169.2); c.1092del, p.Leu365fs (NM_001406747.1); c.969del, p.Leu324fs (NM_001406748.1); c.300+2946del (NM_001199973.2); c.177+6581del (NM_001199974.2); short protein forms L324fs, L365fs.
Identifiers: ClinVar variation 1050825 (VCV001050825.7), dbSNP rs2147471863, ClinGen allele CA2499226269.